The following is an entry in ClinVar:

ClinVar aggregate classification (germline): Uncertain significance (1 of 4 stars; one submission).

Submission:

Ambry Genetics
Classification: Uncertain significance. Last evaluated: 2021-08-22. Review status: criteria provided, single submitter. Criteria: Ambry Variant Classification Scheme 2023. Collection method: clinical testing. Allele origin: germline.
Comment: The p.T390P variant (also known as c.1168A>C), located in coding exon 9 of the FAM175A gene, results from an A to C substitution at nucleotide position 1168. The threonine at codon 390 is replaced by proline, an amino acid with highly similar properties. This amino acid position is conserved. In addition, this alteration is predicted to be tolerated by in silico analysis. Since supporting evidence is limited at this time, the clinical significance of this alteration remains unclear.

NM_139076.3(ABRAXAS1):c.1168A>C (p.Thr390Pro)

Gene: ABRAXAS1 (abraxas 1, BRCA1 A complex subunit; minus strand). Cytogenetic location: 4q21.23.
Variant type: single nucleotide variant.
Coding change: c.1168A>C on transcript NM_139076.3 (MANE Select); coding-DNA position 1168, A replaced by C.
Protein change: p.Thr390Pro; replaces threonine 390 with proline.
Molecular consequence: missense variant.
Genome position (GRCh38, 1-based): chr4:83,462,531, T>G on the plus strand (A>C on the coding strand, the complement: ABRAXAS1 is on the minus strand). VCF-style: chr4-83462531-T-G. GRCh37 (hg19) VCF-style: chr4-84383684-T-G.
Other names: c.841A>C, p.Thr281Pro (NM_001345962.2); short protein forms T281P, T390P.
Identifiers: ClinVar variation 1799875 (VCV001799875.2), dbSNP rs2529417791, ClinGen allele CA357254981.
Genomic context (GRCh38, chr4:83,462,531, plus strand): 5'-AAAATGTAGGAGACCGTGAATATTCACCAAAACCCTTCATCTTTTCAATTTCTTCATCTG[T>G]TTCTGGGCTGCTCATTTTGGATGCTTTATCTTGGTTACTACTACCAGTATCTGCTTTAGA-3'
Protein context (NP_620775.2, residues 380-400): DKASKMSSPE[Thr390Pro]DEEIEKMKGF